The following is an entry in ClinVar:

NM_015338.6(ASXL1):c.1945G>A (p.Gly649Arg)

Gene: ASXL1 (ASXL transcriptional regulator 1; plus strand). Cytogenetic location: 20q11.21.
Variant type: single nucleotide variant.
Coding change: c.1945G>A on transcript NM_015338.6 (MANE Select); coding-DNA position 1945, G replaced by A.
Protein change: p.Gly649Arg; replaces glycine 649 with arginine.
Molecular consequence: missense variant.
Genome position (GRCh38, 1-based): chr20:32,434,657, G>A. VCF-style: chr20-32434657-G-A. GRCh37 (hg19) VCF-style: chr20-31022460-G-A.
Other names: c.1762G>A, p.Gly588Arg (NM_001363734.1); short protein forms G588R, G649R.
Identifiers: ClinVar variation 4864512 (VCV004864512.1).

ClinVar aggregate classification (germline): Uncertain significance (1 of 4 stars; one submission).

Conditions:
Inborn genetic diseases. Identifiers: MedGen C0950123, MeSH D030342.

gnomAD v4.1: 1 of 1,604,408 alleles (0.000062%); highest among the groups gnomAD compares: Non-Finnish European, 0.000085%; no homozygotes.

Submission:

Ambry Genetics
Classification: Uncertain significance for Inborn genetic diseases. Last evaluated: 2026-05-04. Review status: criteria provided, single submitter. Criteria: Ambry Variant Classification Scheme 2023. Collection method: clinical testing. Allele origin: germline.
Comment: The p.G649R variant (also known as c.1945G>A), located in coding exon 13 of the ASXL1 gene, results from a G to A substitution at nucleotide position 1945. The glycine at codon 649 is replaced by arginine, an amino acid with dissimilar properties. This amino acid position is conserved. In addition, this alteration is predicted to be tolerated by in silico analysis. Based on the available evidence, the clinical significance of this variant remains unclear.